The following is an entry in ClinVar:

NM_002335.4(LRP5):c.1801+724T>C

Gene: LRP5 (LDL receptor related protein 5; plus strand). Cytogenetic location: 11q13.2.
Variant type: single nucleotide variant.
Coding change: c.1801+724T>C on transcript NM_002335.4 (MANE Select); 724 bases into the intron after coding-DNA position 1801, T replaced by C.
Molecular consequence: intron variant.
Genome position (GRCh38, 1-based): chr11:68,404,423, T>C. VCF-style: chr11-68404423-T-C. GRCh37 (hg19) VCF-style: chr11-68171891-T-C.
Other names: c.58+7T>C (NM_001291902.2).
Identifiers: ClinVar variation 3356512 (VCV003356512.1).

ClinVar aggregate classification (germline): Likely benign (0 of 4 stars; one submission).

Conditions:
LRP5-related disorder. Also called: LRP5-related condition.

gnomAD v4.1: 2 of 504,130 alleles (0.0004%); highest among the groups gnomAD compares: African/African-American, 0.0038%; no homozygotes.

Submission:

PreventionGenetics, part of Exact Sciences
Classification: Likely benign for LRP5-related condition. Last evaluated: 2024-08-13. Review status: no assertion criteria provided. Collection method: clinical testing. Allele origin: germline.
Comment: This variant is classified as likely benign based on ACMG/AMP sequence variant interpretation guidelines (Richards et al. 2015 PMID: 25741868, with internal and published modifications).